The following is an entry in ClinVar:

ClinVar aggregate classification (germline): Uncertain significance (1 of 4 stars; one submission).

Conditions:
FAT1-related disorder. Also called: FAT1-related condition.

Allele frequency attached by ClinVar (database versions not stated): ExAC 0.00004.
gnomAD v4.1: 59 of 1,613,872 alleles (0.0037%); highest among the groups gnomAD compares: Non-Finnish European, 0.0036%; no homozygotes.

Submission:

PreventionGenetics, part of Exact Sciences
Classification: Uncertain significance for FAT1-related condition. Last evaluated: 2022-12-19. Review status: criteria provided, single submitter. Criteria: ACMG Guidelines, 2015. Collection method: clinical testing. Allele origin: germline.
Comment: The FAT1 c.10846G>A variant is predicted to result in the amino acid substitution p.Val3616Ile. This variant was reported in an individual with kidney dysplasia (Supplemental Table 4, Nicolaou et al. 2016. PubMed ID: 26489027). This variant is reported in 0.010% of alleles in individuals of East Asian descent in gnomAD. At this time, the clinical significance of this variant is uncertain due to the absence of conclusive functional and genetic evidence.

NM_005245.4(FAT1):c.10846G>A (p.Val3616Ile)

Genes: FAT1 (FAT atypical cadherin 1; minus strand), LOC126807254 (BRD4-independent group 4 enhancer GRCh37_chr4:187524269-187525468; plus strand). Cytogenetic location: 4q35.2.
Variant type: single nucleotide variant.
Coding change: c.10846G>A on transcript NM_005245.4 (MANE Select); coding-DNA position 10846, G replaced by A.
Protein change: p.Val3616Ile; replaces valine 3616 with isoleucine.
Molecular consequence: missense variant.
Genome position (GRCh38, 1-based): chr4:186,603,680, C>T on the plus strand (G>A on the coding strand, the complement: FAT1 is on the minus strand). VCF-style: chr4-186603680-C-T. GRCh37 (hg19) VCF-style: chr4-187524834-C-T.
Other names: short protein forms V3616I.
Identifiers: ClinVar variation 2631897 (VCV002631897.1), dbSNP rs771664786, ClinGen allele CA3165255.